The following is an entry in ClinVar:

ClinVar aggregate classification (germline): Likely benign. Review status: criteria provided, multiple submitters, no conflicts (2 of 4 stars). 2 submissions from 2 submitters: Likely benign (2). Last evaluated 2024-02-17.

Conditions:
Idiopathic generalized epilepsy. Also called: Generalised epilepsy; EIG. Identifiers: MedGen C0270850, MONDO:0005579, OMIM 600669.

Allele frequency attached by ClinVar (database versions not stated): gnomAD 0.00001; TOPMed 0.00001.
gnomAD v4.1: 35 of 1,613,422 alleles (0.0022%); highest among the groups gnomAD compares: South Asian, 0.0033%; no homozygotes.

Submissions (2):

Labcorp Genetics (formerly Invitae), Labcorp
Classification: Likely benign for Idiopathic generalized epilepsy. Last evaluated: 2024-02-17. Review status: criteria provided, single submitter. Criteria: Invitae Variant Classification Sherloc (09022015). Collection method: clinical testing. Allele origin: germline.

GeneDx
Classification: Likely benign. Last evaluated: 2015-12-01. Review status: criteria provided, single submitter. Criteria: GeneDx Variant Classification (06012015). Collection method: clinical testing. Allele origin: germline. Affected: yes.
Comment: This variant is considered likely benign or benign based on one or more of the following criteria: it is a conservative change, it occurs at a poorly conserved position in the protein, it is predicted to be benign by multiple in silico algorithms, and/or has population frequency not consistent with disease.

NM_000726.5(CACNB4):c.315C>T (p.Gly105=)

Gene: CACNB4 (calcium voltage-gated channel auxiliary subunit beta 4; minus strand). Cytogenetic location: 2q23.3.
Variant type: single nucleotide variant.
Coding change: c.315C>T on transcript NM_000726.5 (MANE Select); coding-DNA position 315, C replaced by T.
Protein change: p.Gly105=; no amino-acid change (glycine 105 retained).
Molecular consequence: synonymous variant. On other transcripts: 5 prime UTR variant (2).
Genome position (GRCh38, 1-based): chr2:151,880,875, G>A on the plus strand (C>T on the coding strand, the complement: CACNB4 is on the minus strand). VCF-style: chr2-151880875-G-A. GRCh37 (hg19) VCF-style: chr2-152737389-G-A.
Other names: c.261C>T, p.Gly87= (NM_001005746.4, NM_001330113.2); c.213C>T, p.Gly71= (NM_001005747.4, NM_001330115.2); c.315C>T, p.Gly105= (NM_001145798.3); c.174C>T, p.Gly58= (NM_001320722.3, NM_001330116.2, NM_001330118.2); c.-320C>T (NM_001330114.2); c.-244C>T (NM_001330117.2).
Identifiers: ClinVar variation 382202 (VCV000382202.8), dbSNP rs748422887, ClinGen allele CA1912646.
Genomic context (GRCh38, chr2:151,880,875, plus strand): 5'-AAAGTCTTTAGCATCAAAGGAGATAGCTGTGCTTGGAACAGGCACATCCTCGTCCAGGGC[G>A]CCGCAGTAGCTCACATTTGTCTTCACGGCAAATGCTACAGGTTTGGACTAGGGACAGAAC-3'
Protein context (NP_000717.2, residues 95-115): FAVKTNVSYC[Gly105=]ALDEDVPVPS